The following is an entry in ClinVar:

NM_001042492.3(NF1):c.1652T>C (p.Val551Ala)

Gene: NF1 (neurofibromin 1; plus strand). Cytogenetic location: 17q11.2.
Variant type: single nucleotide variant.
Coding change: c.1652T>C on transcript NM_001042492.3 (MANE Select); coding-DNA position 1652, T replaced by C.
Protein change: p.Val551Ala; replaces valine 551 with alanine.
Molecular consequence: missense variant.
Genome position (GRCh38, 1-based): chr17:31,221,860, T>C. VCF-style: chr17-31221860-T-C. GRCh37 (hg19) VCF-style: chr17-29548878-T-C.
Other names: c.1652T>C, p.Val551Ala (NM_000267.4, NM_001128147.3); short protein forms V551A.
Identifiers: ClinVar variation 481995 (VCV000481995.11), dbSNP rs113867817, ClinGen allele CA289360585.

ClinVar aggregate classification (germline): Uncertain significance. Review status: criteria provided, multiple submitters, no conflicts (2 of 4 stars). 3 submissions from 3 submitters: Uncertain significance (3). Last evaluated 2025-05-15.

Conditions:
Cardiovascular phenotype. Identifiers: MedGen CN230736.
Hereditary cancer-predisposing syndrome. Also called: Hereditary neoplastic syndrome; Neoplastic Syndromes, Hereditary; Tumor predisposition; Hereditary Cancer Syndrome. Identifiers: Orphanet 140162, MedGen C0027672, MeSH D009386, MONDO:0015356.
Neurofibromatosis, type 1 (NF1). Also called: VON RECKLINGHAUSEN DISEASE; Peripheral type neurofibromatosis; NEUROFIBROMATOSIS, TYPE I, SOMATIC; Neurofibromatosis, type I. Identifiers: Orphanet 636, MedGen C0027831, MONDO:0018975, OMIM 162200. Disease mechanism: loss of function.

gnomAD v4.1: 3 of 1,605,674 alleles (0.00019%); highest among the groups gnomAD compares: Non-Finnish European, 0.00025%; no homozygotes.

Submissions (3):

Labcorp Genetics (formerly Invitae), Labcorp
Classification: Uncertain significance for Neurofibromatosis, type 1. Last evaluated: 2025-05-15. Review status: criteria provided, single submitter. Criteria: Invitae Variant Classification Sherloc (09022015). Collection method: clinical testing. Allele origin: germline.
Comment: This sequence change replaces valine, which is neutral and non-polar, with alanine, which is neutral and non-polar, at codon 551 of the NF1 protein (p.Val551Ala). This variant is not present in population databases (gnomAD no frequency). This variant has not been reported in the literature in individuals affected with NF1-related conditions. ClinVar contains an entry for this variant (Variation ID: 481995). Invitae Evidence Modeling of protein sequence and biophysical properties (such as structural, functional, and spatial information, amino acid conservation, physicochemical variation, residue mobility, and thermodynamic stability) indicates that this missense variant is not expected to disrupt NF1 protein function with a negative predictive value of 95%. In summary, the available evidence is currently insufficient to determine the role of this variant in disease. Therefore, it has been classified as a Variant of Uncertain Significance.

Ambry Genetics
Classification: Uncertain significance for Cardiovascular phenotype; Hereditary cancer-predisposing syndrome. Last evaluated: 2023-11-05. Review status: criteria provided, single submitter. Criteria: Ambry Variant Classification Scheme 2023. Collection method: clinical testing. Allele origin: germline.
Comment: The p.V551A variant (also known as c.1652T>C), located in coding exon 15 of the NF1 gene, results from a T to C substitution at nucleotide position 1652. The valine at codon 551 is replaced by alanine, an amino acid with similar properties. This amino acid position is highly conserved in available vertebrate species. In addition, the in silico prediction for this alteration is inconclusive. Since supporting evidence is limited at this time, the clinical significance of this alteration remains unclear.

Genome-Nilou Lab
Classification: Uncertain significance for Neurofibromatosis, type 1. Last evaluated: 2022-03-15. Review status: criteria provided, single submitter. Criteria: ACMG Guidelines, 2015. Collection method: clinical testing. Allele origin: germline. Affected: no.